The following is an entry in ClinVar:

ClinVar aggregate classification (germline): Uncertain significance (1 of 4 stars; one submission).

Allele frequency attached by ClinVar (database versions not stated): gnomAD exomes below 0.00001; TOPMed below 0.00001; gnomAD 0.00001.
gnomAD v4.1: 4 of 1,613,950 alleles (0.00025%); highest among the groups gnomAD compares: Middle Eastern, 0.016%; no homozygotes.

Submission:

Labcorp Genetics (formerly Invitae), Labcorp
Classification: Uncertain significance. Last evaluated: 2023-12-12. Review status: criteria provided, single submitter. Criteria: Invitae Variant Classification Sherloc (09022015). Collection method: clinical testing. Allele origin: germline.
Comment: This sequence change replaces aspartic acid, which is acidic and polar, with asparagine, which is neutral and polar, at codon 1063 of the ERBIN protein (p.Asp1063Asn). This variant is present in population databases (no rsID available, gnomAD 0.01%). This variant has not been reported in the literature in individuals affected with ERBIN-related conditions. An algorithm developed to predict the effect of missense changes on protein structure and function (PolyPhen-2) suggests that this variant is likely to be disruptive. In summary, the available evidence is currently insufficient to determine the role of this variant in disease. Therefore, it has been classified as a Variant of Uncertain Significance.

NM_001253697.2(ERBIN):c.3187G>A (p.Asp1063Asn)

Gene: ERBIN (erbb2 interacting protein; plus strand). Cytogenetic location: 5q12.3.
Variant type: single nucleotide variant.
Coding change: c.3187G>A on transcript NM_001253697.2 (MANE Select); coding-DNA position 3187, G replaced by A.
Protein change: p.Asp1063Asn; replaces aspartic acid 1063 with asparagine.
Molecular consequence: missense variant.
Genome position (GRCh38, 1-based): chr5:66,054,505, G>A. VCF-style: chr5-66054505-G-A. GRCh37 (hg19) VCF-style: chr5-65350333-G-A.
Other names: c.3187G>A, p.Asp1063Asn (NM_001006600.3, NM_001253698.2, NM_001253699.2 and 1 more transcripts); c.3175G>A, p.Asp1059Asn (NM_001253701.2); short protein forms D1059N, D1063N.
Identifiers: ClinVar variation 2785479 (VCV002785479.3), dbSNP rs1201522732, ClinGen allele CA359869123.